The following is an entry in ClinVar:

ClinVar aggregate classification (germline): Likely benign (0 of 4 stars; one submission).

Conditions:
BBS10-related disorder. Also called: BBS10-related condition.

Submission:

PreventionGenetics, part of Exact Sciences
Classification: Likely benign for BBS10-related condition. Last evaluated: 2023-12-15. Review status: no assertion criteria provided. Collection method: clinical testing. Allele origin: germline.
Comment: This variant is classified as likely benign based on ACMG/AMP sequence variant interpretation guidelines (Richards et al. 2015 PMID: 25741868, with internal and published modifications).

NM_024685.4(BBS10):c.981C>T (p.Gly327=)

Gene: BBS10 (Bardet-Biedl syndrome 10; minus strand). Cytogenetic location: 12q21.2.
Variant type: single nucleotide variant.
Coding change: c.981C>T on transcript NM_024685.4 (MANE Select); coding-DNA position 981, C replaced by T.
Protein change: p.Gly327=; no amino-acid change (glycine 327 retained).
Molecular consequence: synonymous variant.
Genome position (GRCh38, 1-based): chr12:76,347,004, G>A on the plus strand (C>T on the coding strand, the complement: BBS10 is on the minus strand). VCF-style: chr12-76347004-G-A. GRCh37 (hg19) VCF-style: chr12-76740784-G-A.
Identifiers: ClinVar variation 3349246 (VCV003349246.1).
Genomic context (GRCh38, chr12:76,347,004, plus strand): 5'-ACCAATGATCCTCCGGATAAGAGAAACTTCTTCTGATGATAAACACTCAACCACTGATAT[G>A]CCATTCACCCCTGCATAATAACTAACTAAATCTGGTTGTTTCACACTAGATATGAGCAAT-3'
Protein context (NP_078961.3, residues 317-337): DLVSYYAGVN[Gly327=]ISVVECLSSE